The following is an entry in ClinVar:

NM_001734.5(C1S):c.1171TAC[1] (p.Tyr392del)

Gene: C1S (complement C1s; plus strand). Cytogenetic location: 12p13.31.
Variant type: Microsatellite.
Coding change: c.1171TAC[1] on transcript NM_001734.5 (MANE Select); one copy of the 3-base unit TAC starting at c.1171; the reference has two copies in a row; one copy, 3 bases deleted.
Protein change: p.Tyr392del; deletes tyrosine 392.
Molecular consequence: inframe deletion.
Genome position (GRCh38, 1-based): chr12:7,067,750-7,067,752, TAC deleted; deleting any 3 consecutive bases within chr12:7,067,747-7,067,752 gives the same sequence; the position shown is the placement nearest the transcript's 3' end. VCF-style (leftmost placement, unchanged base first): chr12-7067746-TTAC-T. GRCh37 (hg19) VCF-style: chr12-7175050-TTAC-T.
Other names: c.670TAC[1], p.Tyr225del (NM_001346850.2); c.1171TAC[1], p.Tyr392del (NM_201442.4); short protein forms Y392del, Y225del.
Identifiers: ClinVar variation 1985015 (VCV001985015.5), dbSNP rs782552257, ClinGen allele CA6423693.

ClinVar aggregate classification (germline): Uncertain significance. Review status: criteria provided, multiple submitters, no conflicts (2 of 4 stars). 2 submissions from 2 submitters: Uncertain significance (2). Last evaluated 2024-03-28.

Submissions (2):

Labcorp Genetics (formerly Invitae), Labcorp
Classification: Uncertain significance. Last evaluated: 2024-03-28. Review status: criteria provided, single submitter. Criteria: Invitae Variant Classification Sherloc (09022015). Collection method: clinical testing. Allele origin: germline.
Comment: This variant, c.1174_1176del, results in the deletion of 1 amino acid(s) of the C1S protein (p.Tyr392del), but otherwise preserves the integrity of the reading frame. This variant is present in population databases (rs782552257, gnomAD 0.0009%). This variant has not been reported in the literature in individuals affected with C1S-related conditions. Experimental studies and prediction algorithms are not available or were not evaluated, and the functional significance of this variant is currently unknown. Algorithms developed to predict the effect of sequence changes on RNA splicing suggest that this variant may disrupt the consensus splice site. In summary, the available evidence is currently insufficient to determine the role of this variant in disease. Therefore, it has been classified as a Variant of Uncertain Significance.

Blueprint Genetics
Classification: Uncertain significance. Last evaluated: 2023-03-22. Review status: criteria provided, single submitter. Criteria: ACMG Guidelines, 2015. Collection method: clinical testing. Allele origin: germline.